The following is an entry in ClinVar:

ClinVar aggregate classification (germline): Pathogenic (1 of 4 stars; one submission).

Conditions:
Joubert syndrome 3 (JBTS3). Also called: AHI1-related Ciliopathy. Identifiers: Orphanet 220493, MedGen C1837713, MONDO:0012078, OMIM 608629.

gnomAD v4.1: 1 of 1,613,928 alleles (0.000062%); highest among the groups gnomAD compares: Non-Finnish European, 0.000085%; no homozygotes.

Submission:

Myriad Genetics, Inc.
Classification: Pathogenic for Joubert syndrome 3. Last evaluated: 2024-12-15. Review status: criteria provided, single submitter. Criteria: Myriad Autosomal Dominant, Autosomal Recessive and X-Linked Classification Criteria (2023). Collection method: clinical testing. Allele origin: unknown.
Comment: NM_001134831.1(AHI1):c.556G>T(E186*) is expected to be pathogenic in the context of Joubert syndrome, AHI1-related. This variant is predicted to lead to an abnormal or absent protein product due to the creation of a premature termination codon in AHI1, a gene where loss-of-function variants are known to be pathogenic. Please note: this variant was assessed in the context of healthy population screening.

NM_001134831.2(AHI1):c.556G>T (p.Glu186Ter)

Gene: AHI1 (Abelson helper integration site 1; minus strand). Cytogenetic location: 6q23.3.
Variant type: single nucleotide variant.
Coding change: c.556G>T on transcript NM_001134831.2 (MANE Select); coding-DNA position 556, G replaced by T.
Protein change: p.Glu186Ter; replaces glutamic acid 186 with a stop codon.
Molecular consequence: nonsense.
Genome position (GRCh38, 1-based): chr6:135,466,007, C>A on the plus strand (G>T on the coding strand, the complement: AHI1 is on the minus strand). VCF-style: chr6-135466007-C-A. GRCh37 (hg19) VCF-style: chr6-135787145-C-A.
Other names: c.556G>T, p.Glu186Ter (NM_001134830.2, NM_001134832.2, NM_001350503.2 and 2 more transcripts); short protein forms E186*.
Identifiers: ClinVar variation 5013858 (VCV005013858.1).
Genomic context (GRCh38, chr6:135,466,007, plus strand): 5'-TCTTAATCTCCTTTGCCATTTCTTCAGTTACATGGCACTGATATGCTTGCATCAATTCTT[C>A]ATCCTCTTCTAAATCAGTCTCTTCTCTTCCCTCATTTGCCTTCTCACTTTTCTGATGATC-3'